The following is an entry in ClinVar:

ClinVar aggregate classification (germline): Uncertain significance (1 of 4 stars; one submission).

Conditions:
Larsen-like syndrome, B3GAT3 type. Also called: Multiple joint dislocations, short stature, craniofacial dysmorphism, with or without congenital heart defects; MULTIPLE JOINT DISLOCATIONS, SHORT STATURE, AND CRANIOFACIAL DYSMORPHISM WITH OR WITHOUT CONGENITAL HEART DEFECTS. Identifiers: Orphanet 284139, MedGen CN034159, MONDO:0009511, OMIM 245600.

Allele frequency attached by ClinVar (database versions not stated): gnomAD exomes below 0.00001; TOPMed 0.00001.

Submission:

Labcorp Genetics (formerly Invitae), Labcorp
Classification: Uncertain significance for Larsen-like syndrome, B3GAT3 type. Last evaluated: 2022-10-05. Review status: criteria provided, single submitter. Criteria: Invitae Variant Classification Sherloc (09022015). Collection method: clinical testing. Allele origin: germline.
Comment: Advanced modeling of protein sequence and biophysical properties (such as structural, functional, and spatial information, amino acid conservation, physicochemical variation, residue mobility, and thermodynamic stability) performed at Invitae indicates that this missense variant is not expected to disrupt B3GAT3 protein function. ClinVar contains an entry for this variant (Variation ID: 1472368). This variant has not been reported in the literature in individuals affected with B3GAT3-related conditions. This variant is not present in population databases (gnomAD no frequency). This sequence change replaces leucine, which is neutral and non-polar, with valine, which is neutral and non-polar, at codon 109 of the B3GAT3 protein (p.Leu109Val). In summary, the available evidence is currently insufficient to determine the role of this variant in disease. Therefore, it has been classified as a Variant of Uncertain Significance.

NM_012200.4(B3GAT3):c.325C>G (p.Leu109Val)

Gene: B3GAT3 (beta-1,3-glucuronyltransferase 3; minus strand). Cytogenetic location: 11q12.3.
Variant type: single nucleotide variant.
Coding change: c.325C>G on transcript NM_012200.4 (MANE Select); coding-DNA position 325, C replaced by G.
Protein change: p.Leu109Val; replaces leucine 109 with valine.
Molecular consequence: missense variant. On other transcripts: non-coding transcript variant (1).
Genome position (GRCh38, 1-based): chr11:62,617,280, G>C on the plus strand (C>G on the coding strand, the complement: B3GAT3 is on the minus strand). VCF-style: chr11-62617280-G-C. GRCh37 (hg19) VCF-style: chr11-62384752-G-C.
Other names: c.304C>G, p.Leu102Val (NM_001288721.2); c.325C>G, p.Leu109Val (NM_001288722.2, NM_001288723.2); short protein forms L109V, L102V.
Identifiers: ClinVar variation 1472368 (VCV001472368.6), dbSNP rs1943052698, ClinGen allele CA380977219.